The following is an entry in ClinVar:

NM_000059.4(BRCA2):c.5400C>G (p.Tyr1800Ter)

Gene: BRCA2 (BRCA2 DNA repair associated; plus strand). Cytogenetic location: 13q13.1.
Variant type: single nucleotide variant.
Coding change: c.5400C>G on transcript NM_000059.4 (MANE Select); coding-DNA position 5400, C replaced by G.
Protein change: p.Tyr1800Ter; replaces tyrosine 1800 with a stop codon.
Molecular consequence: nonsense.
Genome position (GRCh38, 1-based): chr13:32,339,755, C>G. VCF-style: chr13-32339755-C-G. GRCh37 (hg19) VCF-style: chr13-32913892-C-G.
Other names: short protein forms Y1800*.
Identifiers: ClinVar variation 423402 (VCV000423402.2), dbSNP rs780919805, ClinGen allele CA16619724.
Genomic context (GRCh38, chr13:32,339,755, plus strand): 5'-AGATCAAAAAAACACTAGTTTTTCCAAAGTAATATCCAATGTAAAAGATGCAAATGCATA[C>G]CCACAAACTGTAAATGAAGATATTTGCGTTGAGGAACTTGTGACTAGCTCTTCACCCTGC-3'

ClinVar aggregate classification (germline): Pathogenic. Review status: reviewed by expert panel (3 of 4 stars). 2 submissions from 2 submitters: Pathogenic (1). 1 of the submissions does not count toward it. Last evaluated 2017-12-15.

Conditions:
Breast-ovarian cancer, familial, susceptibility to, 2 (BROVCA2). Also called: BRCA2 Hereditary Breast and Ovarian Cancer. Identifiers: Orphanet 145, MedGen C2675520, MONDO:0012933, OMIM 612555. Disease mechanism: loss of function.

Submissions (2):

Evidence-based Network for the Interpretation of Germline Mutant Alleles (ENIGMA)
Classification: Pathogenic for Breast-ovarian cancer, familial, susceptibility to, 2. Last evaluated: 2017-12-15. Review status: reviewed by expert panel. Criteria: ENIGMA BRCA1/2 Classification Criteria (2017-06-29). Collection method: curation. Allele origin: germline. Study: ENIGMA.
Comment: Variant allele predicted to encode a truncated non-functional protein.

GeneDx
Classification: Pathogenic. Last evaluated: 2017-02-02. Review status: criteria provided, single submitter. Criteria: GeneDx Variant Classification (06012015). Collection method: clinical testing. Allele origin: germline. Affected: yes. Not counted in ClinVar's aggregate classification.
Comment: This variant is denoted BRCA2 c.5400C>G at the cDNA level and p.Tyr1800Ter (Y1800X) at the protein level. The substitution creates a nonsense variant, which changes a Tyrosine to a premature stop codon (TAC>TAG), and is predicted to cause loss of normal protein function through either protein truncation or nonsense-mediated mRNA decay. Although this variant has not, to our knowledge, been reported in the literature, it is considered pathogenic.